The following is an entry in ClinVar:

NM_014112.5(TRPS1):c.2647T>A (p.Tyr883Asn)

Gene: TRPS1 (transcriptional repressor GATA binding 1; minus strand). Cytogenetic location: 8q23.3.
Variant type: single nucleotide variant.
Coding change: c.2647T>A on transcript NM_014112.5 (MANE Select); coding-DNA position 2647, T replaced by A.
Protein change: p.Tyr883Asn; replaces tyrosine 883 with asparagine.
Molecular consequence: missense variant.
Genome position (GRCh38, 1-based): chr8:115,587,054, A>T on the plus strand (T>A on the coding strand, the complement: TRPS1 is on the minus strand). VCF-style: chr8-115587054-A-T. GRCh37 (hg19) VCF-style: chr8-116599281-A-T.
Other names: c.2620T>A, p.Tyr874Asn (NM_001282902.3); c.2626T>A, p.Tyr876Asn (NM_001282903.3); c.2608T>A, p.Tyr870Asn (NM_001330599.2); short protein forms Y883N, Y874N, Y870N, Y876N.
Identifiers: ClinVar variation 1521242 (VCV001521242.8), dbSNP rs1039993281, ClinGen allele CA184607462.

ClinVar aggregate classification (germline): Uncertain significance (1 of 4 stars; one submission).

Conditions:
Trichorhinophalangeal syndrome, type III (TRPS3). Also called: SUGIO-KAJII SYNDROME. Identifiers: Orphanet 77258, MedGen C1860823, OMIM 190351, MONDO:0008597.
Trichorhinophalangeal dysplasia type I (TRPS1). Also called: TRPS I; TRICHORHINOPHALANGEAL SYNDROME, TYPE I. Identifiers: Orphanet 77258, MedGen C0432233, MONDO:0008596, OMIM 190350.

Allele frequency attached by ClinVar (database versions not stated): gnomAD 0.00001; TOPMed 0.00001.
gnomAD v4.1: 1 of 1,614,060 alleles (0.000062%); highest among the groups gnomAD compares: African/African-American, 0.0013%; no homozygotes.

Submission:

Labcorp Genetics (formerly Invitae), Labcorp
Classification: Uncertain significance for Trichorhinophalangeal syndrome, type III; Trichorhinophalangeal dysplasia type I. Last evaluated: 2021-04-09. Review status: criteria provided, single submitter. Criteria: Invitae Variant Classification Sherloc (09022015). Collection method: clinical testing. Allele origin: germline.
Comment: In summary, the available evidence is currently insufficient to determine the role of this variant in disease. Therefore, it has been classified as a Variant of Uncertain Significance. Algorithms developed to predict the effect of missense changes on protein structure and function are either unavailable or do not agree on the potential impact of this missense change (SIFT: "Deleterious"; PolyPhen-2: "Benign"; Align-GVGD: "Class C65"). This variant has not been reported in the literature in individuals with TRPS1-related conditions. This variant is not present in population databases (ExAC no frequency). This sequence change replaces tyrosine with asparagine at codon 883 of the TRPS1 protein (p.Tyr883Asn). The tyrosine residue is highly conserved and there is a large physicochemical difference between tyrosine and asparagine.